The following is an entry in ClinVar:

NM_004813.4(PEX16):c.461-8C>A

Gene: PEX16 (peroxisomal biogenesis factor 16; minus strand). Cytogenetic location: 11p11.2.
Variant type: single nucleotide variant.
Coding change: c.461-8C>A on transcript NM_004813.4 (MANE Select); 8 bases into the intron before coding-DNA position 461, C replaced by A.
Molecular consequence: intron variant.
Genome position (GRCh38, 1-based): chr11:45,914,692, G>T on the plus strand (C>A on the coding strand, the complement: PEX16 is on the minus strand). VCF-style: chr11-45914692-G-T. GRCh37 (hg19) VCF-style: chr11-45936243-G-T.
Other names: c.461-8C>A (NM_057174.3).
Identifiers: ClinVar variation 3663440 (VCV003663440.2).

ClinVar aggregate classification (germline): Uncertain significance (1 of 4 stars; one submission).

Conditions:
Peroxisome biogenesis disorder. Identifiers: Orphanet 79189, MedGen C1832200, MONDO:0019234. Disease mechanism: loss of function.

Submission:

Labcorp Genetics (formerly Invitae), Labcorp
Classification: Uncertain significance for Peroxisome biogenesis disorder. Last evaluated: 2025-08-11. Review status: criteria provided, single submitter. Criteria: Invitae Variant Classification Sherloc (09022015). Collection method: clinical testing. Allele origin: germline.
Comment: This sequence change falls in intron 5 of the PEX16 gene. It does not directly change the encoded amino acid sequence of the PEX16 protein. This variant is not present in population databases (gnomAD no frequency). This variant has not been reported in the literature in individuals affected with PEX16-related conditions. ClinVar contains an entry for this variant (Variation ID: 3663440). Algorithms developed to predict the effect of sequence changes on RNA splicing suggest that this variant may disrupt the consensus splice site. In summary, the available evidence is currently insufficient to determine the role of this variant in disease. Therefore, it has been classified as a Variant of Uncertain Significance.